The following is an entry in ClinVar:

ClinVar aggregate classification (germline): Uncertain significance (1 of 4 stars; one submission).

Submission:

GeneDx
Classification: Uncertain significance. Last evaluated: 2023-04-06. Review status: criteria provided, single submitter. Criteria: GeneDx Variant Classification Process June 2021. Collection method: clinical testing. Allele origin: germline. Affected: yes.
Comment: Has not been previously published as pathogenic or benign to our knowledge; Not observed at significant frequency in large population cohorts (gnomAD); In silico analysis supports that this missense variant does not alter protein structure/function

NM_015141.4(GPD1L):c.842G>A (p.Arg281Lys)

Gene: GPD1L (glycerol-3-phosphate dehydrogenase 1 like; plus strand). Cytogenetic location: 3p22.3.
Variant type: single nucleotide variant.
Coding change: c.842G>A on transcript NM_015141.4 (MANE Select); coding-DNA position 842, G replaced by A.
Protein change: p.Arg281Lys; replaces arginine 281 with lysine.
Molecular consequence: missense variant.
Genome position (GRCh38, 1-based): chr3:32,159,099, G>A. VCF-style: chr3-32159099-G-A. GRCh37 (hg19) VCF-style: chr3-32200591-G-A.
Other names: short protein forms R281K.
Identifiers: ClinVar variation 2662442 (VCV002662442.1), dbSNP rs2471420297, ClinGen allele CA351969553.
Genomic context (GRCh38, chr3:32,159,099, plus strand): 5'-CCGACCTGATCACCACCTGTTACGGAGGGCGGAACCGCAGGGTGGCCGAGGCCTTCGCCA[G>A]AACTGGGAAGGTAGCCCCTCACCTGCTCTCCCGCACCCCCTCCTTCCTCACTTGAGACTC-3'
Protein context (NP_055956.1, residues 271-291): RNRRVAEAFA[Arg281Lys]TGKTIEELEK